The following is an entry in ClinVar:

ClinVar aggregate classification (germline): Uncertain significance. Review status: criteria provided, multiple submitters, no conflicts (2 of 4 stars). 2 submissions from 2 submitters: Uncertain significance (2). Last evaluated 2024-05-10.

Allele frequency attached by ClinVar (database versions not stated): gnomAD 0.00001; ExAC 0.00002; TOPMed 0.00002; 1000 Genomes Project 30x 0.00016; 1000 Genomes Project 0.00020.
gnomAD v4.1: 29 of 1,614,090 alleles (0.0018%); highest among the groups gnomAD compares: East Asian, 0.058%; no homozygotes.

Submissions (2):

Labcorp Genetics (formerly Invitae), Labcorp
Classification: Uncertain significance. Last evaluated: 2024-05-10. Review status: criteria provided, single submitter. Criteria: Invitae Variant Classification Sherloc (09022015). Collection method: clinical testing. Allele origin: germline.
Comment: This sequence change replaces lysine, which is basic and polar, with asparagine, which is neutral and polar, at codon 185 of the MICAL1 protein (p.Lys185Asn). This variant is present in population databases (rs139385529, gnomAD 0.05%). This variant has not been reported in the literature in individuals affected with MICAL1-related conditions. An algorithm developed to predict the effect of missense changes on protein structure and function (PolyPhen-2) suggests that this variant is likely to be disruptive. In summary, the available evidence is currently insufficient to determine the role of this variant in disease. Therefore, it has been classified as a Variant of Uncertain Significance.

Ambry Genetics
Classification: Uncertain significance. Last evaluated: 2023-11-27. Review status: criteria provided, single submitter. Criteria: Ambry Variant Classification Scheme 2023. Collection method: clinical testing. Allele origin: germline.

NM_022765.4(MICAL1):c.498G>C (p.Lys166Asn)

Gene: MICAL1 (microtubule associated monooxygenase, calponin and LIM domain containing 1; minus strand). Cytogenetic location: 6q21.
Variant type: single nucleotide variant.
Coding change: c.498G>C on transcript NM_022765.4 (MANE Select); coding-DNA position 498, G replaced by C.
Protein change: p.Lys166Asn; replaces lysine 166 with asparagine.
Molecular consequence: missense variant.
Genome position (GRCh38, 1-based): chr6:109,453,336, C>G on the plus strand (G>C on the coding strand, the complement: MICAL1 is on the minus strand). VCF-style: chr6-109453336-C-G. GRCh37 (hg19) VCF-style: chr6-109774539-C-G.
Other names: c.498G>C, p.Lys166Asn (NM_001159291.2); c.555G>C, p.Lys185Asn (NM_001286613.2); short protein forms K166N, K185N.
Identifiers: ClinVar variation 3126130 (VCV003126130.3), dbSNP rs139385529, ClinGen allele CA3953750.